The following is an entry in ClinVar:

NM_182493.3(MYLK3):c.1338G>T (p.Gln446His)

Gene: MYLK3 (myosin light chain kinase 3; minus strand). Cytogenetic location: 16q11.2.
Variant type: single nucleotide variant.
Coding change: c.1338G>T on transcript NM_182493.3 (MANE Select); coding-DNA position 1338, G replaced by T.
Protein change: p.Gln446His; replaces glutamine 446 with histidine.
Molecular consequence: missense variant.
Genome position (GRCh38, 1-based): chr16:46,732,332, C>A on the plus strand (G>T on the coding strand, the complement: MYLK3 is on the minus strand). VCF-style: chr16-46732332-C-A. GRCh37 (hg19) VCF-style: chr16-46766244-C-A.
Other names: c.1338G>T (NM_182493.2); c.315G>T, p.Gln105His (NM_001308301.1); short protein forms Q105H, Q446H.
Identifiers: ClinVar variation 2986492 (VCV002986492.4), dbSNP rs967337379, ClinGen allele CA280230051.

ClinVar aggregate classification (germline): Uncertain significance. Review status: criteria provided, multiple submitters, no conflicts (2 of 4 stars). 2 submissions from 2 submitters: Uncertain significance (2). Last evaluated 2025-11-17.

Allele frequency attached by ClinVar (database versions not stated): gnomAD 0.00001; TOPMed below 0.00001.
gnomAD v4.1: 11 of 1,612,712 alleles (0.00068%); highest among the groups gnomAD compares: African/African-American, 0.0013%; no homozygotes.

Submissions (2):

Labcorp Genetics (formerly Invitae), Labcorp
Classification: Uncertain significance. Last evaluated: 2025-11-17. Review status: criteria provided, single submitter. Criteria: Invitae Variant Classification Sherloc (09022015). Collection method: clinical testing. Allele origin: germline.
Comment: This sequence change replaces glutamine, which is neutral and polar, with histidine, which is basic and polar, at codon 446 of the MYLK3 protein (p.Gln446His). This variant is not present in population databases (gnomAD no frequency). This variant has not been reported in the literature in individuals affected with MYLK3-related conditions. ClinVar contains an entry for this variant (Variation ID: 2986492). An algorithm developed to predict the effect of missense changes on protein structure and function outputs the following: PolyPhen-2: "Benign". The histidine amino acid residue is found in multiple mammalian species, which suggests that this missense change does not adversely affect protein function. In summary, the available evidence is currently insufficient to determine the role of this variant in disease. Therefore, it has been classified as a Variant of Uncertain Significance.

Ambry Genetics
Classification: Uncertain significance. Last evaluated: 2025-09-26. Review status: criteria provided, single submitter. Criteria: Ambry Variant Classification Scheme 2023. Collection method: clinical testing. Allele origin: germline.